The following is an entry in ClinVar:

ClinVar aggregate classification (germline): Uncertain significance. Review status: criteria provided, multiple submitters, no conflicts (2 of 4 stars). 2 submissions from 2 submitters: Uncertain significance (2). Last evaluated 2022-01-17.

Conditions:
Inborn genetic diseases. Identifiers: MedGen C0950123, MeSH D030342.
Achondrogenesis, type IB (ACG1B). Also called: Achondrogenesis Type 1B. Identifiers: Orphanet 932, Orphanet 93298, MedGen C0265274, MONDO:0010966, OMIM 600972.
Multiple epiphyseal dysplasia type 4 (EDM4). Also called: SLC26A2-Related Multiple Epiphyseal Dysplasia; Multiple Epiphyseal Dysplasia, Recessive; MULTIPLE EPIPHYSEAL DYSPLASIA WITH BILAYERED PATELLAE; MULTIPLE EPIPHYSEAL DYSPLASIA WITH CLUBFOOT; MULTIPLE EPIPHYSEAL DYSPLASIA, AUTOSOMAL RECESSIVE. Identifiers: Orphanet 93307, MedGen C1847593, MONDO:0009189, OMIM 226900.
Atelosteogenesis type II (AO2). Also called: Neonatal osseous dysplasia 1; SLC26A2-Related Atelosteogenesis; NEONATAL OSSEOUS DYSPLASIA I. Identifiers: Orphanet 56304, MedGen C1850554, MONDO:0009727, OMIM 256050.
Diastrophic dysplasia (DTD). Also called: Diastrophic dwarfism. Identifiers: Orphanet 628, MedGen C0220726, MONDO:0009107, OMIM 222600.

Submissions (2):

Labcorp Genetics (formerly Invitae), Labcorp
Classification: Uncertain significance for Atelosteogenesis type II; Multiple epiphyseal dysplasia type 4; Achondrogenesis, type IB; Diastrophic dysplasia. Last evaluated: 2022-01-17. Review status: criteria provided, single submitter. Criteria: Invitae Variant Classification Sherloc (09022015). Collection method: clinical testing. Allele origin: germline.
Comment: This sequence change replaces histidine, which is basic and polar, with tyrosine, which is neutral and polar, at codon 647 of the SLC26A2 protein (p.His647Tyr). This variant is not present in population databases (gnomAD no frequency). This variant has not been reported in the literature in individuals affected with SLC26A2-related conditions. Advanced modeling of protein sequence and biophysical properties (such as structural, functional, and spatial information, amino acid conservation, physicochemical variation, residue mobility, and thermodynamic stability) performed at Invitae indicates that this missense variant is not expected to disrupt SLC26A2 protein function. In summary, the available evidence is currently insufficient to determine the role of this variant in disease. Therefore, it has been classified as a Variant of Uncertain Significance.

Ambry Genetics
Classification: Uncertain significance for Inborn genetic diseases. Last evaluated: 2021-07-06. Review status: criteria provided, single submitter. Criteria: Ambry Variant Classification Scheme 2023. Collection method: clinical testing. Allele origin: germline.

NM_000112.4(SLC26A2):c.1939C>T (p.His647Tyr)

Gene: SLC26A2 (solute carrier family 26 member 2; plus strand). Cytogenetic location: 5q32.
Variant type: single nucleotide variant.
Coding change: c.1939C>T on transcript NM_000112.4 (MANE Select); coding-DNA position 1939, C replaced by T.
Protein change: p.His647Tyr; replaces histidine 647 with tyrosine.
Molecular consequence: missense variant.
Genome position (GRCh38, 1-based): chr5:149,981,532, C>T. VCF-style: chr5-149981532-C-T. GRCh37 (hg19) VCF-style: chr5-149361095-C-T.
Other names: short protein forms H647Y.
Identifiers: ClinVar variation 2156895 (VCV002156895.2), dbSNP rs1755101279, ClinGen allele CA361709462.